The following is an entry in ClinVar:

NM_001734.5(C1S):c.1116C>T (p.Asp372=)

Gene: C1S (complement C1s; plus strand). Cytogenetic location: 12p13.31.
Variant type: single nucleotide variant.
Coding change: c.1116C>T on transcript NM_001734.5 (MANE Select); coding-DNA position 1116, C replaced by T.
Protein change: p.Asp372=; no amino-acid change (aspartic acid 372 retained).
Molecular consequence: synonymous variant.
Genome position (GRCh38, 1-based): chr12:7,067,692, C>T. VCF-style: chr12-7067692-C-T. GRCh37 (hg19) VCF-style: chr12-7174996-C-T.
Other names: c.1116C>T (NM_201442.3); c.615C>T, p.Asp205= (NM_001346850.2); c.1116C>T, p.Asp372= (NM_201442.4).
Identifiers: ClinVar variation 1672200 (VCV001672200.12), dbSNP rs782380121, ClinGen allele CA6423682.

ClinVar aggregate classification (germline): Likely benign. Review status: criteria provided, multiple submitters, no conflicts (2 of 4 stars). 4 submissions from 4 submitters: Likely benign (3). 1 of the submissions does not count toward it. Last evaluated 2026-01-25.

Conditions:
C1S-related disorder. Also called: C1S-related condition.

Allele frequency attached by ClinVar (database versions not stated): ExAC 0.00002; gnomAD 0.00002 and 0.00003; gnomAD exomes 0.00005 and 0.00006.

Submissions (4):

Labcorp Genetics (formerly Invitae), Labcorp
Classification: Likely benign. Last evaluated: 2026-01-25. Review status: criteria provided, single submitter. Criteria: Invitae Variant Classification Sherloc (09022015). Collection method: clinical testing. Allele origin: germline.

Women's Health and Genetics/Laboratory Corporation of America, LabCorp
Classification: Likely benign. Last evaluated: 2025-10-16. Review status: criteria provided, single submitter. Criteria: LabCorp Variant Classification Summary - May 2015. Collection method: clinical testing. Allele origin: germline.

Blueprint Genetics
Classification: Likely benign. Last evaluated: 2024-11-19. Review status: criteria provided, single submitter. Criteria: ACMG Guidelines, 2015. Collection method: clinical testing. Allele origin: germline.

PreventionGenetics, part of Exact Sciences
Classification: Likely benign for C1S-related condition. Last evaluated: 2021-04-06. Review status: no assertion criteria provided. Collection method: clinical testing. Allele origin: germline. Not counted in ClinVar's aggregate classification.
Comment: This variant is classified as likely benign based on ACMG/AMP sequence variant interpretation guidelines (Richards et al. 2015 PMID: 25741868, with internal and published modifications).